The following is an entry in ClinVar:

NM_001080517.3(SETD5):c.2510G>A (p.Arg837His)

Gene: SETD5 (SET domain containing 5; plus strand). Cytogenetic location: 3p25.3.
Variant type: single nucleotide variant.
Coding change: c.2510G>A on transcript NM_001080517.3 (MANE Select); coding-DNA position 2510, G replaced by A.
Protein change: p.Arg837His; replaces arginine 837 with histidine.
Molecular consequence: missense variant.
Genome position (GRCh38, 1-based): chr3:9,464,458, G>A. VCF-style: chr3-9464458-G-A. GRCh37 (hg19) VCF-style: chr3-9506142-G-A.
Other names: c.2216G>A, p.Arg739His (NM_001292043.2, NM_001349451.2); short protein forms R739H, R837H.
Identifiers: ClinVar variation 2653476 (VCV002653476.24), dbSNP rs757869495, ClinGen allele CA2239473.

ClinVar aggregate classification (germline): Uncertain significance (1 of 4 stars; one submission).

Allele frequency attached by ClinVar (database versions not stated): ExAC 0.00001; TOPMed 0.00001.
gnomAD v4.1: 2 of 1,612,800 alleles (0.00012%); highest among the groups gnomAD compares: South Asian, 0.0011%; no homozygotes.

Submission:

CeGaT Center for Human Genetics Tuebingen
Classification: Uncertain significance. Last evaluated: 2023-06-01. Review status: criteria provided, single submitter. Criteria: CeGaT Center For Human Genetics Tuebingen Variant Classification Criteria Version 2. Collection method: clinical testing. Allele origin: germline. Affected: yes. Observed: 1 variant allele.
Comment: SETD5: PM2